The following is an entry in ClinVar:

ClinVar aggregate classification (germline): Uncertain significance. Review status: criteria provided, single submitter (1 of 4 stars). 2 submissions from 2 submitters: Uncertain significance (1). 1 of the submissions does not count toward it. Last evaluated 2022-08-06.

Conditions:
PCNT-related disorder. Also called: PCNT-related condition.

Allele frequency attached by ClinVar (database versions not stated): ExAC 0.00002.
gnomAD v4.1: 5 of 1,614,036 alleles (0.00031%); highest among the groups gnomAD compares: East Asian, 0.0022%; no homozygotes.

Submissions (2):

Labcorp Genetics (formerly Invitae), Labcorp
Classification: Uncertain significance. Last evaluated: 2022-08-06. Review status: criteria provided, single submitter. Criteria: Invitae Variant Classification Sherloc (09022015). Collection method: clinical testing. Allele origin: germline.
Comment: This sequence change replaces aspartic acid, which is acidic and polar, with asparagine, which is neutral and polar, at codon 2065 of the PCNT protein (p.Asp2065Asn). This variant is present in population databases (rs780368347, gnomAD 0.004%). This variant has not been reported in the literature in individuals affected with PCNT-related conditions. Algorithms developed to predict the effect of missense changes on protein structure and function output the following: SIFT: "Tolerated"; PolyPhen-2: "Possibly Damaging"; Align-GVGD: "Class C0". The asparagine amino acid residue is found in multiple mammalian species, which suggests that this missense change does not adversely affect protein function. In summary, the available evidence is currently insufficient to determine the role of this variant in disease. Therefore, it has been classified as a Variant of Uncertain Significance.

PreventionGenetics, part of Exact Sciences
Classification: Uncertain significance for PCNT-related condition. Last evaluated: 2024-05-16. Review status: no assertion criteria provided. Collection method: clinical testing. Allele origin: germline. Not counted in ClinVar's aggregate classification.
Comment: The PCNT c.6193G>A variant is predicted to result in the amino acid substitution p.Asp2065Asn. To our knowledge, this variant has not been reported in the literature. This variant is reported in 0.014% of alleles in individuals of European (Finnish) descent in gnomAD. At this time, the clinical significance of this variant is uncertain due to the absence of conclusive functional and genetic evidence.

NM_006031.6(PCNT):c.6193G>A (p.Asp2065Asn)

Gene: PCNT (pericentrin; plus strand). Cytogenetic location: 21q22.3.
Variant type: single nucleotide variant.
Coding change: c.6193G>A on transcript NM_006031.6 (MANE Select); coding-DNA position 6193, G replaced by A.
Protein change: p.Asp2065Asn; replaces aspartic acid 2065 with asparagine.
Molecular consequence: missense variant.
Genome position (GRCh38, 1-based): chr21:46,416,111, G>A. VCF-style: chr21-46416111-G-A. GRCh37 (hg19) VCF-style: chr21-47836025-G-A.
Other names: c.5839G>A, p.Asp1947Asn (NM_001315529.2); c.6193G>A (NM_006031.5); short protein forms D2065N, D1947N.
Identifiers: ClinVar variation 1976989 (VCV001976989.3), dbSNP rs780368347, ClinGen allele CA10080279.